The following is an entry in ClinVar:

NM_001875.5(CPS1):c.2819G>A (p.Trp940Ter)

Gene: CPS1 (carbamoyl-phosphate synthase 1; plus strand). Cytogenetic location: 2q34.
Variant type: single nucleotide variant.
Coding change: c.2819G>A on transcript NM_001875.5 (MANE Select); coding-DNA position 2819, G replaced by A.
Protein change: p.Trp940Ter; replaces tryptophan 940 with a stop codon.
Molecular consequence: nonsense. On other transcripts: non-coding transcript variant (2).
Genome position (GRCh38, 1-based): chr2:210,637,833, G>A. VCF-style: chr2-210637833-G-A. GRCh37 (hg19) VCF-style: chr2-211502557-G-A.
Other names: c.2819G>A, p.Trp940Ter (NM_001122633.3, NM_001369257.1); c.2852G>A, p.Trp951Ter (NM_001369256.1); short protein forms W951*, W940*.
Identifiers: ClinVar variation 1450174 (VCV001450174.7), dbSNP rs1446095060, ClinGen allele CA350431163.

ClinVar aggregate classification (germline): Pathogenic/Likely pathogenic. Review status: criteria provided, multiple submitters, no conflicts (2 of 4 stars). 2 submissions from 2 submitters: Pathogenic (1); Likely pathogenic (1). Last evaluated 2024-03-16.

Conditions:
Congenital hyperammonemia, type I. Also called: Carbamoyl-phosphate synthase I deficiency; CPS I DEFICIENCY; Carbamoyl phosphate synthetase 1 deficiency; Hyperammonemia due to carbamoyl phosphate synthetase 1 deficiency; CPS 1 deficiency; Carbamyl phosphate synthetase (CPS) deficiency. Identifiers: Orphanet 147, MedGen C4082171, MONDO:0009376, OMIM 237300.
Pulmonary hypertension, neonatal, susceptibility to (PHN). Identifiers: MedGen C3714958, MONDO:0014151, OMIM 615371.

Allele frequency attached by ClinVar (database versions not stated): gnomAD exomes below 0.00001.
gnomAD v4.1: 1 of 1,613,844 alleles (0.000062%); highest among the groups gnomAD compares: Non-Finnish European, 0.000085%; no homozygotes.

Submissions (2):

Fulgent Genetics
Classification: Likely pathogenic for Congenital hyperammonemia, type I; Pulmonary hypertension, neonatal, susceptibility to. Last evaluated: 2024-03-16. Review status: criteria provided, single submitter. Criteria: ACMG Guidelines, 2015. Collection method: clinical testing. Allele origin: germline.

Labcorp Genetics (formerly Invitae), Labcorp
Classification: Pathogenic for Congenital hyperammonemia, type I. Last evaluated: 2021-09-14. Review status: criteria provided, single submitter. Criteria: Invitae Variant Classification Sherloc (09022015). Collection method: clinical testing. Allele origin: germline.
Comment: This variant has not been reported in the literature in individuals affected with CPS1-related conditions. This sequence change creates a premature translational stop signal (p.Trp940*) in the CPS1 gene. It is expected to result in an absent or disrupted protein product. Loss-of-function variants in CPS1 are known to be pathogenic (PMID: 21120950). This variant is not present in population databases (ExAC no frequency). Algorithms developed to predict the effect of sequence changes on RNA splicing suggest that this variant may create or strengthen a splice site. For these reasons, this variant has been classified as Pathogenic.

Literature cited by the submitters: PubMed 21120950 (cited by Labcorp Genetics (formerly Invitae), Labcorp).